The following is an entry in ClinVar:

NM_001130965.3(SUN1):c.1229C>T (p.Ser410Leu)

Gene: SUN1 (Sad1 and UNC84 domain containing 1; plus strand). Cytogenetic location: 7p22.3.
Variant type: single nucleotide variant.
Coding change: c.1229C>T on transcript NM_001130965.3 (MANE Select); coding-DNA position 1229, C replaced by T.
Protein change: p.Ser410Leu; replaces serine 410 with leucine.
Molecular consequence: missense variant. On other transcripts: non-coding transcript variant (3).
Genome position (GRCh38, 1-based): chr7:853,584, C>T. VCF-style: chr7-853584-C-T. GRCh37 (hg19) VCF-style: chr7-893221-C-T.
Other names: c.1427C>T, p.Ser476Leu (NM_001367674.1); c.1412C>T, p.Ser471Leu (NM_001367675.1, NM_001367676.1); c.1535C>T, p.Ser512Leu (NM_001367677.1); c.1619C>T, p.Ser540Leu (NM_001367678.1, NM_001367699.1, NM_001367687.1); c.1187C>T, p.Ser396Leu (NM_001367679.1); c.1163C>T, p.Ser388Leu (NM_001367680.1, NM_001367701.1); c.1277C>T, p.Ser426Leu (NM_001367681.1); c.1538C>T, p.Ser513Leu (NM_001367692.1); and 38 more; short protein forms S221L, S307L, S327L, S359L, S360L, S364L, S426L, S446L.
Identifiers: ClinVar variation 1412762 (VCV001412762.6), dbSNP rs963866352, ClinGen allele CA152352753.

ClinVar aggregate classification (germline): Uncertain significance (1 of 4 stars; one submission).

Conditions:
Emery-Dreifuss muscular dystrophy (EDMD). Also called: Scapuloperoneal syndrome, X-linked (formerly); Humeroperoneal neuromuscular disease, (formerly). Identifiers: Orphanet 261, MedGen C0410189, MONDO:0016830.

Allele frequency attached by ClinVar (database versions not stated): gnomAD 0.00002; TOPMed 0.00002; gnomAD exomes 0.00003.
gnomAD v4.1: 40 of 1,607,004 alleles (0.0025%); highest among the groups gnomAD compares: Non-Finnish European, 0.003%; no homozygotes.

Submission:

Labcorp Genetics (formerly Invitae), Labcorp
Classification: Uncertain significance for Emery-Dreifuss muscular dystrophy. Last evaluated: 2025-06-20. Review status: criteria provided, single submitter. Criteria: Invitae Variant Classification Sherloc (09022015). Collection method: clinical testing. Allele origin: germline.
Comment: This sequence change replaces serine, which is neutral and polar, with leucine, which is neutral and non-polar, at codon 410 of the SUN1 protein (p.Ser410Leu). This variant is present in population databases (no rsID available, gnomAD 0.0008%). This variant has not been reported in the literature in individuals affected with SUN1-related conditions. ClinVar contains an entry for this variant (Variation ID: 1412762). An algorithm developed to predict the effect of missense changes on protein structure and function outputs the following: PolyPhen-2: "Benign". The leucine amino acid residue is found in multiple mammalian species, which suggests that this missense change does not adversely affect protein function. In summary, the available evidence is currently insufficient to determine the role of this variant in disease. Therefore, it has been classified as a Variant of Uncertain Significance.